The following is an entry in ClinVar:

ClinVar aggregate classification (germline): Likely benign (1 of 4 stars; one submission).

gnomAD v4.1: 845 of 1,551,404 alleles (0.054%); highest among the groups gnomAD compares: African/African-American, 0.85%; 6 homozygotes.

Submission:

CeGaT Center for Human Genetics Tuebingen
Classification: Likely benign. Last evaluated: 2025-10-01. Review status: criteria provided, single submitter. Criteria: CeGaT Center For Human Genetics Tuebingen Variant Classification Criteria Version 2. Collection method: clinical testing. Allele origin: germline. Affected: yes. Observed: 1 variant allele.
Comment: COL6A5: BP4, BP7

NM_001278298.2(COL6A5):c.5301C>T (p.Tyr1767=)

Gene: COL6A5 (collagen type VI alpha 5 chain; plus strand). Cytogenetic location: 3q22.1.
Variant type: single nucleotide variant.
Coding change: c.5301C>T on transcript NM_001278298.2 (MANE Select); coding-DNA position 5301, C replaced by T.
Protein change: p.Tyr1767=; no amino-acid change (tyrosine 1767 retained).
Molecular consequence: synonymous variant. On other transcripts: non-coding transcript variant (1).
Genome position (GRCh38, 1-based): chr3:130,431,517, C>T. VCF-style: chr3-130431517-C-T. GRCh37 (hg19) VCF-style: chr3-130150361-C-T.
Other names: c.5301C>T, p.Tyr1767= (NM_153264.7).
Identifiers: ClinVar variation 4533582 (VCV004533582.6).